The following is an entry in ClinVar:

ClinVar aggregate classification (germline): Uncertain significance. Review status: criteria provided, multiple submitters, no conflicts (2 of 4 stars). 2 submissions from 2 submitters: Uncertain significance (2). Last evaluated 2025-09-10.

Allele frequency attached by ClinVar (database versions not stated): TOPMed 0.00002; gnomAD 0.00003; gnomAD exomes 0.00005; ExAC 0.00007; ESP Exome Variant Server 0.00008.
gnomAD v4.1: 62 of 1,613,978 alleles (0.0038%); highest among the groups gnomAD compares: South Asian, 0.0077%; no homozygotes.

Submissions (2):

Ambry Genetics
Classification: Uncertain significance. Last evaluated: 2025-09-10. Review status: criteria provided, single submitter. Criteria: Ambry Variant Classification Scheme 2023. Collection method: clinical testing. Allele origin: germline.

Labcorp Genetics (formerly Invitae), Labcorp
Classification: Uncertain significance. Last evaluated: 2021-08-07. Review status: criteria provided, single submitter. Criteria: Invitae Variant Classification Sherloc (09022015). Collection method: clinical testing. Allele origin: germline.
Comment: This sequence change replaces threonine with methionine at codon 231 of the KLC2 protein (p.Thr231Met). The threonine residue is highly conserved and there is a moderate physicochemical difference between threonine and methionine. This variant is present in population databases (rs376918462, ExAC 0.01%). This variant has not been reported in the literature in individuals affected with KLC2-related conditions. Algorithms developed to predict the effect of missense changes on protein structure and function are either unavailable or do not agree on the potential impact of this missense change (SIFT: "Deleterious"; PolyPhen-2: "Possibly Damaging"; Align-GVGD: "Class C0"). In summary, the available evidence is currently insufficient to determine the role of this variant in disease. Therefore, it has been classified as a Variant of Uncertain Significance.

NM_001318734.2(KLC2):c.692C>T (p.Thr231Met)

Genes: KLC2 (kinesin light chain 2; plus strand), KLC2-AS1 (KLC2 antisense RNA 1; minus strand). Cytogenetic location: 11q13.2.
Variant type: single nucleotide variant.
Coding change: c.692C>T on transcript NM_001318734.2 (MANE Select); coding-DNA position 692, C replaced by T.
Protein change: p.Thr231Met; replaces threonine 231 with methionine.
Molecular consequence: missense variant.
Genome position (GRCh38, 1-based): chr11:66,262,976, C>T. VCF-style: chr11-66262976-C-T. GRCh37 (hg19) VCF-style: chr11-66030447-C-T.
Other names: c.461C>T, p.Thr154Met (NM_001134774.2); c.692C>T, p.Thr231Met (NM_001134775.2, NM_001134776.2, NM_022822.3); c.692C>T (NM_001134775.1); short protein forms T154M, T231M.
Identifiers: ClinVar variation 1368785 (VCV001368785.7), dbSNP rs376918462, ClinGen allele CA6117157.